The following is an entry in ClinVar:

NM_001039958.2(MESP2):c.189C>G (p.Ala63=)

Gene: MESP2 (mesoderm posterior bHLH transcription factor 2; plus strand). Cytogenetic location: 15q26.1.
Variant type: single nucleotide variant.
Coding change: c.189C>G on transcript NM_001039958.2 (MANE Select); coding-DNA position 189, C replaced by G.
Protein change: p.Ala63=; no amino-acid change (alanine 63 retained).
Molecular consequence: synonymous variant.
Genome position (GRCh38, 1-based): chr15:89,776,546, C>G. VCF-style: chr15-89776546-C-G. GRCh37 (hg19) VCF-style: chr15-90319777-C-G.
Identifiers: ClinVar variation 751329 (VCV000751329.18), dbSNP rs534821207, ClinGen allele CA7730364.

ClinVar aggregate classification (germline): Conflicting classifications of pathogenicity. Review status: criteria provided, conflicting classifications (1 of 4 stars). 4 submissions from 4 submitters: Uncertain significance (1); Benign (1). 2 of the submissions do not count toward it. Last evaluated 2025-12-30.

Conditions:
Spondylocostal dysostosis 2, autosomal recessive (SCDO2). Also called: MESP2-Related Spondylocostal Dysostosis, Autosomal Recessive; Spondylocostal dysostosis type 2. Identifiers: Orphanet 2311, MedGen C1837549, MONDO:0012097, OMIM 608681.
MESP2-related disorder. Also called: MESP2-related condition.

Allele frequency attached by ClinVar (database versions not stated): gnomAD below 0.00001 and 0.00007; gnomAD exomes 0.00035; 1000 Genomes Project 0.00040; 1000 Genomes Project 30x 0.00047; ExAC 0.00082.

Submissions (4):

Labcorp Genetics (formerly Invitae), Labcorp
Classification: Benign. Last evaluated: 2025-12-30. Review status: criteria provided, single submitter. Criteria: Invitae Variant Classification Sherloc (09022015). Collection method: clinical testing. Allele origin: germline.

Illumina Laboratory Services, Illumina
Classification: Uncertain significance for Spondylocostal dysostosis 2, autosomal recessive. Last evaluated: 2018-01-13. Review status: criteria provided, single submitter. Criteria: ICSL Variant Classification Criteria 13 December 2019. Collection method: clinical testing. Allele origin: germline.

Natera, Inc.
Classification: Uncertain significance for Spondylocostal dysostosis type 2. Last evaluated: 2020-02-13. Review status: no assertion criteria provided. Collection method: clinical testing. Allele origin: germline. Not counted in ClinVar's aggregate classification.

PreventionGenetics, part of Exact Sciences
Classification: Likely benign for MESP2-related condition. Last evaluated: 2019-11-26. Review status: no assertion criteria provided. Collection method: clinical testing. Allele origin: germline. Not counted in ClinVar's aggregate classification.
Comment: This variant is classified as likely benign based on ACMG/AMP sequence variant interpretation guidelines (Richards et al. 2015 PMID: 25741868, with internal and published modifications).